The following is an entry in ClinVar:

ClinVar aggregate classification (germline): Pathogenic (1 of 4 stars; one submission).

Submission:

Labcorp Genetics (formerly Invitae), Labcorp
Classification: Pathogenic. Last evaluated: 2025-10-23. Review status: criteria provided, single submitter. Criteria: Invitae Variant Classification Sherloc (09022015). Collection method: clinical testing. Allele origin: germline.
Comment: This sequence change creates a premature translational stop signal (p.Leu1141Profs*43) in the TONSL gene. It is expected to result in an absent or disrupted protein product. Loss-of-function variants in TONSL are known to be pathogenic (PMID: 30773277). This variant is present in population databases (rs782590114, gnomAD 0.0009%). This variant has not been reported in the literature in individuals affected with TONSL-related conditions. For these reasons, this variant has been classified as Pathogenic.

Literature cited by the submitters: PubMed 30773277.

NM_013432.5(TONSL):c.3421dup (p.Leu1141fs)

Gene: TONSL (tonsoku like, DNA repair protein; minus strand). Cytogenetic location: 8q24.3.
Variant type: Duplication.
Coding change: c.3421dup on transcript NM_013432.5 (MANE Select); coding-DNA position 3421, one base duplicated (C; older notation c.3421dupC).
Protein change: p.Leu1141fs; shifts the reading frame from leucine 1141.
Molecular consequence: frameshift variant.
Genome position (GRCh38, 1-based): chr8:144,433,726, G duplicated on the plus strand (C on the coding strand, the reverse complement: TONSL is on the minus strand); the first of 5 consecutive G bases (chr8:144,433,726-144,433,730); duplicating any one gives the same sequence. VCF-style (leftmost placement, unchanged base first): chr8-144433725-A-AG. GRCh37 (hg19) VCF-style: chr8-145659108-A-AG.
Other names: short protein forms L1141fs.
Identifiers: ClinVar variation 4766801 (VCV004766801.1).
Genomic context (GRCh38, chr8:144,433,725, plus strand): 5'-GTGCTGAGTAAGGGGCAGGCGTGCAGGAGGGAGGCCAGGGACTGGCCACAGCCGTCCCCC[A>AG]GGGGGTTCATGCTTAAGTCCAGCTCCTCCAAACTCTGTGGAAGACACAGGCTGGCAGTGA-3'